The following is an entry in ClinVar:

NM_001384474.1(LOXHD1):c.6710T>G (p.Val2237Gly)

Gene: LOXHD1 (lipoxygenase homology PLAT domains 1; minus strand). Cytogenetic location: 18q21.1.
Variant type: single nucleotide variant.
Coding change: c.6710T>G on transcript NM_001384474.1 (MANE Select); coding-DNA position 6710, T replaced by G.
Protein change: p.Val2237Gly; replaces valine 2237 with glycine.
Molecular consequence: missense variant. On other transcripts: intron variant (3).
Genome position (GRCh38, 1-based): chr18:46,477,584, A>C on the plus strand (T>G on the coding strand, the complement: LOXHD1 is on the minus strand). VCF-style: chr18-46477584-A-C. GRCh37 (hg19) VCF-style: chr18-44057547-A-C.
Other names: c.1427T>G, p.Val476Gly (NM_001145473.3); c.6524T>G, p.Val2175Gly (NM_144612.7); c.3307+70T>G (NM_001145472.3); c.3033+56T>G (NM_001308013.2); c.1371+56T>G (NM_001173129.2); short protein forms V2175G, V476G, V2237G.
Identifiers: ClinVar variation 505107 (VCV000505107.5), dbSNP rs1555651054, ClinGen allele CA402362340.

ClinVar aggregate classification (germline): Uncertain significance (1 of 4 stars; one submission).

Submission:

Laboratory for Molecular Medicine, Mass General Brigham Personalized Medicine
Classification: Uncertain significance. Last evaluated: 2019-07-15. Review status: criteria provided, single submitter. Criteria: LMM Criteria. Collection method: clinical testing. Allele origin: germline. Observed: 2 variant alleles.
Comment: proposed classification - variant undergoing re-assessment, contact laboratory